The following is an entry in ClinVar:

NM_000092.5(COL4A4):c.1669G>A (p.Gly557Ser)

Gene: COL4A4 (collagen type IV alpha 4 chain; minus strand). Cytogenetic location: 2q36.3.
Variant type: single nucleotide variant.
Coding change: c.1669G>A on transcript NM_000092.5 (MANE Select); coding-DNA position 1669, G replaced by A.
Protein change: p.Gly557Ser; replaces glycine 557 with serine.
Molecular consequence: missense variant.
Genome position (GRCh38, 1-based): chr2:227,082,142, C>T on the plus strand (G>A on the coding strand, the complement: COL4A4 is on the minus strand). VCF-style: chr2-227082142-C-T. GRCh37 (hg19) VCF-style: chr2-227946858-C-T.
Other names: short protein forms G557S.
Identifiers: ClinVar variation 4885396 (VCV004885396.2).

ClinVar aggregate classification (germline): Likely pathogenic (1 of 4 stars; one submission).

Submission:

Dasa
Classification: Likely pathogenic. Last evaluated: 2025-12-06. Review status: criteria provided, single submitter. Criteria: DASA Assertion Criteria. Collection method: clinical testing. Allele origin: germline.
Comment: NM_000092.5(COL4A4):c.1669G>A (p.Gly557Ser) is a missense variant that results in the substitution of glycine with serine. The affected residue or protein region has prior evidence supporting clinical relevance. This variant is absent from population databases. Computational evidence supports a deleterious effect. Based on the currently available evidence, this variant is classified as likely pathogenic.